The following is an entry in ClinVar:

ClinVar aggregate classification (germline): Uncertain significance (1 of 4 stars; one submission).

Conditions:
Emery-Dreifuss muscular dystrophy (EDMD). Also called: Scapuloperoneal syndrome, X-linked (formerly); Humeroperoneal neuromuscular disease, (formerly). Identifiers: Orphanet 261, MedGen C0410189, MONDO:0016830.

gnomAD v4.1: 25 of 1,612,814 alleles (0.0016%); highest among the groups gnomAD compares: South Asian, 0.0022%; no homozygotes.

Submission:

Labcorp Genetics (formerly Invitae), Labcorp
Classification: Uncertain significance for Emery-Dreifuss muscular dystrophy. Last evaluated: 2025-03-05. Review status: criteria provided, single submitter. Criteria: Invitae Variant Classification Sherloc (09022015). Collection method: clinical testing. Allele origin: germline.
Comment: This sequence change replaces arginine, which is basic and polar, with tryptophan, which is neutral and slightly polar, at codon 100 of the SUN2 protein (p.Arg100Trp). The frequency data for this variant in the population databases is considered unreliable, as metrics indicate poor data quality at this position in the gnomAD database. This variant has not been reported in the literature in individuals affected with SUN2-related conditions. An algorithm developed to predict the effect of missense changes on protein structure and function (PolyPhen-2) suggests that this variant is likely to be disruptive. Algorithms developed to predict the effect of sequence changes on RNA splicing suggest that this variant may disrupt the consensus splice site. In summary, the available evidence is currently insufficient to determine the role of this variant in disease. Therefore, it has been classified as a Variant of Uncertain Significance.

NM_015374.3(SUN2):c.298C>T (p.Arg100Trp)

Gene: SUN2 (Sad1 and UNC84 domain containing 2; minus strand). Cytogenetic location: 22q13.1.
Variant type: single nucleotide variant.
Coding change: c.298C>T on transcript NM_015374.3 (MANE Select); coding-DNA position 298, C replaced by T.
Protein change: p.Arg100Trp; replaces arginine 100 with tryptophan.
Molecular consequence: missense variant. On other transcripts: intron variant (4).
Genome position (GRCh38, 1-based): chr22:38,751,024, G>A on the plus strand (C>T on the coding strand, the complement: SUN2 is on the minus strand). VCF-style: chr22-38751024-G-A. GRCh37 (hg19) VCF-style: chr22-39147029-G-A.
Other names: c.298C>T, p.Arg100Trp (NM_001199579.2, NM_001199580.2, NM_001394427.1 and 11 more transcripts); c.343C>T, p.Arg115Trp (NM_001394429.1, NM_001394430.1); c.208C>T, p.Arg70Trp (NM_001394438.1); c.122+1483C>T (NM_001394443.1); c.286+186C>T (NM_001394439.1, NM_001394441.1, NM_001394440.1); short protein forms R70W, R100W, R115W.
Identifiers: ClinVar variation 4736851 (VCV004736851.1).
Genomic context (GRCh38, chr22:38,751,024, plus strand): 5'-CCACAAGCCCGCTGGCCCTGCTGCTCTCTGAGCCACCCGTGCCTCTCCTCCTCCGCACCC[G>A]CAGGTCCTCACCTGTGCAGGGAAGAACCAGGGGCTCTTCTGGGCCTCCAAGAGCTTCTGA-3'
Protein context (NP_056189.1, residues 90-110): HGDANWGEDL[Arg100Trp]VRRRRGTGGS